The following is an entry in ClinVar:

NM_001135254.2(PAX7):c.579C>A (p.Gly193=)

Gene: PAX7 (paired box 7; plus strand). Cytogenetic location: 1p36.13.
Variant type: single nucleotide variant.
Coding change: c.579C>A on transcript NM_001135254.2 (MANE Select); coding-DNA position 579, C replaced by A.
Protein change: p.Gly193=; no amino-acid change (glycine 193 retained).
Molecular consequence: synonymous variant.
Genome position (GRCh38, 1-based): chr1:18,636,364, C>A. VCF-style: chr1-18636364-C-A. GRCh37 (hg19) VCF-style: chr1-18962858-C-A.
Other names: c.579C>A, p.Gly193= (NM_002584.3); c.573C>A, p.Gly191= (NM_013945.3).
Identifiers: ClinVar variation 3032259 (VCV003032259.2), dbSNP rs142590581, ClinGen allele CA645711.

ClinVar aggregate classification (germline): Likely benign (0 of 4 stars; one submission).

Conditions:
PAX7-related disorder. Also called: PAX7-related condition.

Allele frequency attached by ClinVar (database versions not stated): ESP Exome Variant Server 0.00008; gnomAD 0.00010; TOPMed 0.00013; ExAC 0.00021.
gnomAD v4.1: 148 of 1,613,988 alleles (0.0092%); highest among the groups gnomAD compares: Admixed American, 0.075%; no homozygotes.

Submission:

PreventionGenetics, part of Exact Sciences
Classification: Likely benign for PAX7-related condition. Last evaluated: 2021-07-01. Review status: no assertion criteria provided. Collection method: clinical testing. Allele origin: germline.
Comment: This variant is classified as likely benign based on ACMG/AMP sequence variant interpretation guidelines (Richards et al. 2015 PMID: 25741868, with internal and published modifications).